The following is an entry in ClinVar:

NM_000195.5(HPS1):c.866C>T (p.Thr289Met)

Gene: HPS1 (HPS1 biogenesis of lysosomal organelles complex 3 subunit 1; minus strand). Cytogenetic location: 10q24.2.
Variant type: single nucleotide variant.
Coding change: c.866C>T on transcript NM_000195.5 (MANE Select); coding-DNA position 866, C replaced by T.
Protein change: p.Thr289Met; replaces threonine 289 with methionine.
Molecular consequence: missense variant. On other transcripts: 5 prime UTR variant (1), intron variant (8).
Genome position (GRCh38, 1-based): chr10:98,429,792, G>A on the plus strand (C>T on the coding strand, the complement: HPS1 is on the minus strand). VCF-style: chr10-98429792-G-A. GRCh37 (hg19) VCF-style: chr10-100189549-G-A.
Other names: c.866C>T (NM_000195.3); c.866C>T, p.Thr289Met (NM_001322476.2, NM_001322477.2, NM_182639.4); c.605C>T, p.Thr202Met (NM_001322480.2, NM_001322481.2); c.497C>T, p.Thr166Met (NM_001322483.2, NM_001322484.2); c.-107C>T (NM_001322487.2); c.748C>T, p.Arg250Trp (NM_001322490.2); c.769-150C>T (NM_001322478.2, NM_001322479.2, NM_001322491.2); c.400-150C>T (NM_001322485.2); and 3 more; short protein forms R250W, T289M, T166M, T202M.
Identifiers: ClinVar variation 2140751 (VCV002140751.3), dbSNP rs200119414, ClinGen allele CA5639252.
Genomic context (GRCh38, chr10:98,429,792, plus strand): 5'-GTCGCCTGCAGAGGCCGATCCCCTCCTGCCCCTGACTCCACGAAGTGCACAGCACACACC[G>A]TCTCTGCAGAGCTCCCCCCAGTTGGGCCCGTGGAGTGAGGGCTCCAGGCCTGCTGCACGG-3'
Protein context (NP_000186.2, residues 279-299): TGPTGGSSAE[Thr289Met]ETDSFSLPEE

ClinVar aggregate classification (germline): Uncertain significance. Review status: criteria provided, multiple submitters, no conflicts (2 of 4 stars). 3 submissions from 3 submitters: Uncertain significance (3). Last evaluated 2024-04-02.

Conditions:
Hermansky-Pudlak syndrome 1 (HPS1). Also called: DELTA STORAGE POOL DISEASE. Identifiers: Orphanet 231500, Orphanet 79430, MedGen C2931875, MONDO:0008748, OMIM 203300.
Inborn genetic diseases. Identifiers: MedGen C0950123, MeSH D030342.

Allele frequency attached by ClinVar (database versions not stated): gnomAD 0.00003; gnomAD exomes 0.00003; ExAC 0.00004; TOPMed 0.00004; 1000 Genomes Project 30x 0.00016; 1000 Genomes Project 0.00020.
gnomAD v4.1: 48 of 1,613,766 alleles (0.003%); highest among the groups gnomAD compares: South Asian, 0.0044%; no homozygotes.

Submissions (3):

Fulgent Genetics
Classification: Uncertain significance for Hermansky-Pudlak syndrome 1. Last evaluated: 2024-04-02. Review status: criteria provided, single submitter. Criteria: ACMG Guidelines, 2015. Collection method: clinical testing. Allele origin: germline.

Ambry Genetics
Classification: Uncertain significance for Inborn genetic diseases. Last evaluated: 2022-03-29. Review status: criteria provided, single submitter. Criteria: Ambry Variant Classification Scheme 2023. Collection method: clinical testing. Allele origin: germline.

Labcorp Genetics (formerly Invitae), Labcorp
Classification: Uncertain significance. Last evaluated: 2021-09-17. Review status: criteria provided, single submitter. Criteria: Invitae Variant Classification Sherloc (09022015). Collection method: clinical testing. Allele origin: germline.
Comment: This sequence change replaces threonine with methionine at codon 289 of the HPS1 protein (p.Thr289Met). The threonine residue is moderately conserved and there is a moderate physicochemical difference between threonine and methionine. This variant is present in population databases (rs200119414, ExAC 0.01%). This variant has not been reported in the literature in individuals with HPS1-related conditions. Algorithms developed to predict the effect of missense changes on protein structure and function output the following: SIFT: "Deleterious"; PolyPhen-2: "Benign"; Align-GVGD: "Class C0". The methionine amino acid residue is found in multiple mammalian species, suggesting that this missense change does not adversely affect protein function. These predictions have not been confirmed by published functional studies and their clinical significance is uncertain. Algorithms developed to predict the effect of sequence changes on RNA splicing suggest that this variant may disrupt the consensus splice site, but this prediction has not been confirmed by published transcriptional studies. In summary, the available evidence is currently insufficient to determine the role of this variant in disease. Therefore, it has been classified as a Variant of Uncertain Significance.